The following is an entry in ClinVar:

ClinVar aggregate classification (germline): Conflicting classifications of pathogenicity. Review status: criteria provided, conflicting classifications (1 of 4 stars). 7 submissions from 7 submitters: Uncertain significance (4); Likely benign (2). 1 of the submissions does not count toward it. Last evaluated 2026-03-27.

Conditions:
DMD-related disorder. Also called: DMD-related condition.
Dilated cardiomyopathy 3B (CMD3B). Also called: CMD3B: DMD-Related Dilated Cardiomyopathy; CARDIOMYOPATHY, DILATED, X-LINKED; DMD-Associated Dilated Cardiomyopathy. Identifiers: Orphanet 154, MedGen C3668940, MONDO:0010542, OMIM 302045.
Duchenne muscular dystrophy (DMD). Also called: Duchenne Muscular Dystrophy (DMD); MUSCULAR DYSTROPHY, PSEUDOHYPERTROPHIC PROGRESSIVE, DUCHENNE TYPE. Identifiers: Orphanet 98896, MedGen C0013264, MONDO:0010679, OMIM 310200.
Becker muscular dystrophy (BMD). Also called: Becker Muscular Dystrophy (BMD); MUSCULAR DYSTROPHY, PSEUDOHYPERTROPHIC PROGRESSIVE, BECKER TYPE. Identifiers: Orphanet 98895, MedGen C0917713, MONDO:0010311, OMIM 300376.
Dystrophin deficiency.
Cardiomyopathy (CMYO). Also called: Cardiomyopathies. Identifiers: Orphanet 167848, MedGen C0878544, MONDO:0004994, HP:0001638. Inheritance: Various modes of inheritance.
Cardiovascular phenotype. Identifiers: MedGen CN230736.

Allele frequency attached by ClinVar (database versions not stated): TOPMed 0.00004; ESP Exome Variant Server 0.00009.
gnomAD v4.1: 18 of 1,209,982 alleles (0.0015%); highest among the groups gnomAD compares: African/African-American, 0.0035%; no homozygotes.

Submissions (7):

Molecular Diagnostic Laboratory for Inherited Cardiovascular Disease, Montreal Heart Institute
Classification: Uncertain significance for Cardiovascular phenotype. Last evaluated: 2026-03-27. Review status: criteria provided, single submitter. Criteria: ACMG Guidelines, 2015. Collection method: clinical testing. Allele origin: germline. Affected: yes.
Comment: PM2, BP1

Labcorp Genetics (formerly Invitae), Labcorp
Classification: Likely benign for Duchenne muscular dystrophy. Last evaluated: 2025-12-08. Review status: criteria provided, single submitter. Criteria: Invitae Variant Classification Sherloc (09022015). Collection method: clinical testing. Allele origin: germline.

PreventionGenetics, part of Exact Sciences
Classification: Uncertain significance for DMD-related condition. Last evaluated: 2025-07-18. Review status: criteria provided, single submitter. Criteria: ACMG Guidelines, 2015. Collection method: clinical testing. Allele origin: germline.
Comment: The DMD c.7712G>A variant is predicted to result in the amino acid substitution p.Arg2571Gln. To our knowledge, this variant has not been reported in the literature. This variant is reported in 0.0076% of alleles in individuals of African descent in gnomAD, including 1 hemizygote. At this time, the clinical significance of this variant is uncertain due to the absence of conclusive functional and genetic evidence.

Fulgent Genetics
Classification: Uncertain significance for Becker muscular dystrophy; Dilated cardiomyopathy 3B; Duchenne muscular dystrophy. Last evaluated: 2024-06-05. Review status: criteria provided, single submitter. Criteria: ACMG Guidelines, 2015. Collection method: clinical testing. Allele origin: germline.

Revvity Omics, Revvity
Classification: Uncertain significance. Last evaluated: 2021-05-28. Review status: criteria provided, single submitter. Criteria: ACMG Guidelines, 2015. Collection method: clinical testing. Allele origin: germline.

GeneDx
Classification: Likely benign. Last evaluated: 2018-01-03. Review status: criteria provided, single submitter. Criteria: GeneDx Variant Classification (06012015). Collection method: clinical testing. Allele origin: germline. Affected: yes.
Comment: This variant is considered likely benign or benign based on one or more of the following criteria: it is a conservative change, it occurs at a poorly conserved position in the protein, it is predicted to be benign by multiple in silico algorithms, and/or has population frequency not consistent with disease.

Natera, Inc.
Classification: Likely benign for Becker muscular dystrophy; Cardiomyopathy; Duchenne muscular dystrophy; Dystrophin deficiency. Last evaluated: 2020-05-07. Review status: no assertion criteria provided. Collection method: clinical testing. Allele origin: germline. Not counted in ClinVar's aggregate classification.

NM_004006.3(DMD):c.7712G>A (p.Arg2571Gln)

Gene: DMD (dystrophin; minus strand). Cytogenetic location: Xp21.1.
Variant type: single nucleotide variant.
Coding change: c.7712G>A on transcript NM_004006.3 (MANE Select); coding-DNA position 7712, G replaced by A.
Protein change: p.Arg2571Gln; replaces arginine 2571 with glutamine.
Molecular consequence: missense variant.
Genome position (GRCh38, 1-based): chrX:31,679,535, C>T on the plus strand (G>A on the coding strand, the complement: DMD is on the minus strand). VCF-style: chrX-31679535-C-T. GRCh37 (hg19) VCF-style: chrX-31697652-C-T.
Other names: c.7688G>A, p.Arg2563Gln (NM_000109.4); c.7700G>A, p.Arg2567Gln (NM_004009.3); c.7343G>A, p.Arg2448Gln (NM_004010.3); c.3689G>A, p.Arg1230Gln (NM_004011.4); c.3680G>A, p.Arg1227Gln (NM_004012.4); c.332G>A, p.Arg111Gln (NM_004013.3, NM_004020.4, NM_004021.3 and 2 more transcripts); short protein forms R2571Q, R111Q, R1227Q, R2448Q, R2563Q, R1230Q, R2567Q.
Identifiers: ClinVar variation 514275 (VCV000514275.16), dbSNP rs371588290, ClinGen allele CA10378223.